The following is an entry in ClinVar:

ClinVar aggregate classification (germline): Pathogenic (1 of 4 stars; one submission).

Conditions:
Congenital adrenal hypoplasia, X-linked (AHC). Also called: Isolated X-Linked Adrenal Hypoplasia Congenita; X-linked AHC; X-Linked Adrenal Hypoplasia Congenita; ADRENAL HYPOPLASIA, CONGENITAL, WITH HYPOGONADOTROPIC HYPOGONADISM. Identifiers: Orphanet 95702, MedGen C0342482, MONDO:0010264, OMIM 300200. Disease mechanism: loss of function.
46,XY sex reversal 2. Also called: NR0B1-Related 46,XY CGD; NR0B1-related 46,XY complete gonadal dysgenesis; 46XY sex reversal 2, dosage-sensitive; 46,XY SEX REVERSAL, DAX1-RELATED; Dosage-sensitive sex reversal. Identifiers: MedGen C1848296, MONDO:0010226, OMIM 300018.

Submission:

Labcorp Genetics (formerly Invitae), Labcorp
Classification: Pathogenic for Congenital adrenal hypoplasia, X-linked; 46,XY sex reversal 2. Last evaluated: 2022-10-14. Review status: criteria provided, single submitter. Criteria: Invitae Variant Classification Sherloc (09022015). Collection method: clinical testing. Allele origin: germline.
Comment: This variant is not present in population databases (gnomAD no frequency). This sequence change creates a premature translational stop signal (p.Cys135*) in the NR0B1 gene. It is expected to result in an absent or disrupted protein product. Loss-of-function variants in NR0B1 are known to be pathogenic (PMID: 7990958, 15841486). This variant has not been reported in the literature in individuals affected with NR0B1-related conditions. For these reasons, this variant has been classified as Pathogenic.

Literature cited by the submitters: PubMed 7990958; PubMed 15841486.

NM_000475.5(NR0B1):c.405T>A (p.Cys135Ter)

Gene: NR0B1 (nuclear receptor subfamily 0 group B member 1; minus strand). Cytogenetic location: Xp21.2.
Variant type: single nucleotide variant.
Coding change: c.405T>A on transcript NM_000475.5 (MANE Select); coding-DNA position 405, T replaced by A.
Protein change: p.Cys135Ter; replaces cysteine 135 with a stop codon.
Molecular consequence: nonsense.
Genome position (GRCh38, 1-based): chrX:30,308,959, A>T on the plus strand (T>A on the coding strand, the complement: NR0B1 is on the minus strand). VCF-style: chrX-30308959-A-T. GRCh37 (hg19) VCF-style: chrX-30327076-A-T.
Other names: short protein forms C135*.
Identifiers: ClinVar variation 2020326 (VCV002020326.4), dbSNP rs1214621343, ClinGen allele CA412548834.